The following is an entry in ClinVar:

ClinVar aggregate classification (germline): Uncertain significance (1 of 4 stars; one submission).

Conditions:
Juvenile polyposis syndrome (JPS). Identifiers: Orphanet 2929, MedGen C0345893, MONDO:0017380, OMIM 174900.

Submission:

Labcorp Genetics (formerly Invitae), Labcorp
Classification: Uncertain significance for Juvenile polyposis syndrome. Last evaluated: 2024-04-05. Review status: criteria provided, single submitter. Criteria: Invitae Variant Classification Sherloc (09022015). Collection method: clinical testing. Allele origin: germline.
Comment: This sequence change replaces threonine, which is neutral and polar, with isoleucine, which is neutral and non-polar, at codon 73 of the SMAD4 protein (p.Thr73Ile). This variant is not present in population databases (gnomAD no frequency). This variant has not been reported in the literature in individuals affected with SMAD4-related conditions. Advanced modeling of protein sequence and biophysical properties (such as structural, functional, and spatial information, amino acid conservation, physicochemical variation, residue mobility, and thermodynamic stability) has been performed at Invitae for this missense variant, however the output from this modeling did not meet the statistical confidence thresholds required to predict the impact of this variant on SMAD4 protein function. In summary, the available evidence is currently insufficient to determine the role of this variant in disease. Therefore, it has been classified as a Variant of Uncertain Significance.

NM_005359.6(SMAD4):c.218C>T (p.Thr73Ile)

Gene: SMAD4 (SMAD family member 4; plus strand). Cytogenetic location: 18q21.2.
Variant type: single nucleotide variant.
Coding change: c.218C>T on transcript NM_005359.6 (MANE Select); coding-DNA position 218, C replaced by T.
Protein change: p.Thr73Ile; replaces threonine 73 with isoleucine.
Molecular consequence: missense variant. On other transcripts: non-coding transcript variant (2).
Genome position (GRCh38, 1-based): chr18:51,047,264, C>T. VCF-style: chr18-51047264-C-T. GRCh37 (hg19) VCF-style: chr18-48573634-C-T.
Other names: c.218C>T, p.Thr73Ile (NM_001407041.1, NM_001407042.1, NM_001407043.1); short protein forms T73I.
Identifiers: ClinVar variation 3717229 (VCV003717229.2).